The following is an entry in ClinVar:

ClinVar aggregate classification (germline): Pathogenic (1 of 4 stars; one submission).

Conditions:
Inborn genetic diseases. Identifiers: MedGen C0950123, MeSH D030342.

Submission:

Ambry Genetics
Classification: Pathogenic for Inborn genetic diseases. Last evaluated: 2024-07-30. Review status: criteria provided, single submitter. Criteria: Ambry Variant Classification Scheme 2023. Collection method: clinical testing. Allele origin: germline.
Comment: The c.3384dupT (p.E1129*) alteration, located in exon 27 (coding exon 26) of the DHX9 gene, consists of a duplication of T at nucleotide position 338. This changes the amino acid from a glutamic acid (E) to a stop codon at amino acid position 1129. This alteration is expected to result in loss of function by premature protein truncation or nonsense-mediated mRNA decay. This variant was not reported in population-based cohorts in the Genome Aggregation Database (gnomAD). Based on the available evidence, this alteration is classified as pathogenic.

NM_001357.5(DHX9):c.3384dup (p.Glu1129Ter)

Gene: DHX9 (DExH-box helicase 9; plus strand). Cytogenetic location: 1q25.3.
Variant type: Duplication.
Coding change: c.3384dup on transcript NM_001357.5 (MANE Select); coding-DNA position 3384, one base duplicated (T; older notation c.3384dupT).
Protein change: p.Glu1129Ter; replaces glutamic acid 1129 with a stop codon.
Molecular consequence: nonsense. On other transcripts: non-coding transcript variant (1).
Genome position (GRCh38, 1-based): chr1:182,884,736, T duplicated. VCF-style (leftmost placement, unchanged base first): chr1-182884735-A-AT. GRCh37 (hg19) VCF-style: chr1-182853870-A-AT.
Other names: short protein forms E1129*.
Identifiers: ClinVar variation 3501760 (VCV003501760.1).